The following is an entry in ClinVar:

NM_000478.6(ALPL):c.1309+2T>C

Gene: ALPL (alkaline phosphatase, biomineralization associated; plus strand). Cytogenetic location: 1p36.12.
Variant type: single nucleotide variant.
Coding change: c.1309+2T>C on transcript NM_000478.6 (MANE Select); the canonical splice donor site of the intron after coding-DNA position 1309, T replaced by C.
Molecular consequence: splice donor variant.
Genome position (GRCh38, 1-based): chr1:21,576,643, T>C. VCF-style: chr1-21576643-T-C. GRCh37 (hg19) VCF-style: chr1-21903136-T-C.
Other names: c.1309+2T>C (NM_001369805.2, NM_001369804.2, NM_001369803.2); c.1144+2T>C (NM_001127501.4); c.1078+2T>C (NM_001177520.3).
Identifiers: ClinVar variation 4086891 (VCV004086891.1).

ClinVar aggregate classification (germline): Pathogenic (1 of 4 stars; one submission).

Conditions:
Hypophosphatasia. Also called: Phosphoethanol-aminuria. Identifiers: Orphanet 436, MedGen C0020630, MeSH D007014, MONDO:0018570.

gnomAD v4.1: 2 of 1,613,592 alleles (0.00012%); highest among the groups gnomAD compares: Non-Finnish European, 0.00017%; no homozygotes.

Submission:

Genomenon, Inc
Classification: Pathogenic for Hypophosphatasia. Last evaluated: 2025-08-29. Review status: criteria provided, single submitter. Criteria: Genomenon Sequence Variant Interpretation Standards. Collection method: curation. Allele origin: germline. Affected: yes.
Comment: ALPL c.1309+2T>C is a canonical splice variant located in the donor splice region of intron 11. This variant has been observed in at least one proband affected with hypophosphatasia (PMID:36361766). It is absent or not present at a significant frequency in gnomAD. In conclusion, we classify ALPL c.1309+2T>C as a pathogenic variant.

Literature cited by the submitters: PubMed 36361766.